The following is an entry in ClinVar:

ClinVar aggregate classification (germline): Uncertain significance. Review status: criteria provided, multiple submitters, no conflicts (2 of 4 stars). 2 submissions from 2 submitters: Uncertain significance (2). Last evaluated 2023-09-12.

Allele frequency attached by ClinVar (database versions not stated): ExAC 0.00001; gnomAD exomes 0.00001.
gnomAD v4.1: 8 of 1,612,118 alleles (0.0005%); highest among the groups gnomAD compares: Middle Eastern, 0.017%; no homozygotes.

Submissions (2):

Ambry Genetics
Classification: Uncertain significance. Last evaluated: 2023-09-12. Review status: criteria provided, single submitter. Criteria: Ambry Variant Classification Scheme 2023. Collection method: clinical testing. Allele origin: germline.
Comment: The p.V264A variant (also known as c.791T>C), located in coding exon 2 of the TERF2IP gene, results from a T to C substitution at nucleotide position 791. The valine at codon 264 is replaced by alanine, an amino acid with similar properties. This amino acid position is conserved. In addition, this alteration is predicted to be tolerated by in silico analysis. Since supporting evidence is limited at this time, the clinical significance of this alteration remains unclear.

Labcorp Genetics (formerly Invitae), Labcorp
Classification: Uncertain significance. Last evaluated: 2023-06-21. Review status: criteria provided, single submitter. Criteria: Invitae Variant Classification Sherloc (09022015). Collection method: clinical testing. Allele origin: germline.
Comment: In summary, the available evidence is currently insufficient to determine the role of this variant in disease. Therefore, it has been classified as a Variant of Uncertain Significance. Algorithms developed to predict the effect of sequence changes on RNA splicing suggest that this variant may disrupt the consensus splice site. Algorithms developed to predict the effect of missense changes on protein structure and function output the following: SIFT: "Not Available"; PolyPhen-2: "Benign"; Align-GVGD: "Not Available". The alanine amino acid residue is found in multiple mammalian species, which suggests that this missense change does not adversely affect protein function. ClinVar contains an entry for this variant (Variation ID: 1761227). This variant has not been reported in the literature in individuals affected with TERF2IP-related conditions. This variant is present in population databases (rs769013740, gnomAD 0.002%). This sequence change replaces valine, which is neutral and non-polar, with alanine, which is neutral and non-polar, at codon 264 of the TERF2IP protein (p.Val264Ala).

NM_018975.4(TERF2IP):c.791T>C (p.Val264Ala)

Gene: TERF2IP (TERF2 interacting protein; plus strand). Cytogenetic location: 16q23.1.
Variant type: single nucleotide variant.
Coding change: c.791T>C on transcript NM_018975.4 (MANE Select); coding-DNA position 791, T replaced by C.
Protein change: p.Val264Ala; replaces valine 264 with alanine.
Molecular consequence: missense variant. On other transcripts: non-coding transcript variant (1).
Genome position (GRCh38, 1-based): chr16:75,654,393, T>C. VCF-style: chr16-75654393-T-C. GRCh37 (hg19) VCF-style: chr16-75688291-T-C.
Other names: short protein forms V264A.
Identifiers: ClinVar variation 1761227 (VCV001761227.6), dbSNP rs769013740, ClinGen allele CA8178084.
Genomic context (GRCh38, chr16:75,654,393, plus strand): 5'-AGGAGAATGAAGAAGCAGTCAAAAAGATGCTTGTGGAAGCCACCCGGGAGTTTGAGGAGG[T>C]TGTGGTATGTTAACTAGATTTACTCATTATTTTTTTCCCTACCTTCATTCTTCTTTGAAA-3'
Protein context (NP_061848.2, residues 254-274): LVEATREFEE[Val264Ala]VVDESPPDFE